The following is an entry in ClinVar:

NM_000466.3(PEX1):c.2584-21_2584-20insA

Gene: PEX1 (peroxisomal biogenesis factor 1; minus strand). Cytogenetic location: 7q21.2.
Variant type: Insertion.
Coding change: c.2584-21_2584-20insA on transcript NM_000466.3 (MANE Select); 21 bases into the intron before coding-DNA position 2584 through 20 bases into the intron before coding-DNA position 2584, A inserted.
Molecular consequence: intron variant.
Genome position: GRCh38 VCF-style: chr7-92499858-A-AT. GRCh37 (hg19) VCF-style: chr7-92129172-A-AT.
Other names: c.2413-21_2413-20insA (NM_001282677.2); c.1960-21_1960-20insA (NM_001282678.2).
Identifiers: ClinVar variation 3036364 (VCV003036364.3), dbSNP rs761456388, ClinGen allele CA4341086.

ClinVar aggregate classification (germline): Likely benign. Review status: criteria provided, single submitter (1 of 4 stars). 2 submissions from 2 submitters: Likely benign (1). 1 of the submissions does not count toward it. Last evaluated 2024-09-06.

Conditions:
PEX1-related disorder. Also called: PEX1-related condition.

Allele frequency attached by ClinVar (database versions not stated): TOPMed 0.00001; gnomAD 0.00003; ExAC 0.00005; gnomAD exomes 0.00005.

Submissions (2):

Blueprint Genetics
Classification: Likely benign. Last evaluated: 2024-09-06. Review status: criteria provided, single submitter. Criteria: ACMG Guidelines, 2015. Collection method: clinical testing. Allele origin: germline.

PreventionGenetics, part of Exact Sciences
Classification: Likely benign for PEX1-related condition. Last evaluated: 2022-12-07. Review status: no assertion criteria provided. Collection method: clinical testing. Allele origin: germline. Not counted in ClinVar's aggregate classification.
Comment: This variant is classified as likely benign based on ACMG/AMP sequence variant interpretation guidelines (Richards et al. 2015 PMID: 25741868, with internal and published modifications).